The following is an entry in ClinVar:

NM_001009999.3(KDM1A):c.23C>G (p.Ala8Gly)

Gene: KDM1A (lysine demethylase 1A; plus strand). Cytogenetic location: 1p36.12.
Variant type: single nucleotide variant.
Coding change: c.23C>G on transcript NM_001009999.3 (MANE Select); coding-DNA position 23, C replaced by G.
Protein change: p.Ala8Gly; replaces alanine 8 with glycine.
Molecular consequence: missense variant.
Genome position (GRCh38, 1-based): chr1:23,019,619, C>G. VCF-style: chr1-23019619-C-G. GRCh37 (hg19) VCF-style: chr1-23346112-C-G.
Other names: c.23C>G, p.Ala8Gly (NM_001363654.2, NM_001410762.1, NM_001410763.1 and 1 more transcripts); short protein forms A8G.
Identifiers: ClinVar variation 4858758 (VCV004858758.1).
Genomic context (GRCh38, chr1:23,019,619, plus strand): 5'-AGCGGCCCCTACGGCCGTCGGCGGCCCGGCGGCCCGAGATGTTATCTGGGAAGAAGGCGG[C>G]AGCCGCGGCGGCGGCGGCTGCAGCGGCAGCAACCGGGACGGAGGCTGGCCCTGGGACAGC-3'
Protein context (NP_001009999.1, residues 1-18): MLSGKKA[Ala8Gly]AAAAAAAAAA

ClinVar aggregate classification (germline): Uncertain significance (1 of 4 stars; one submission).

Conditions:
Inborn genetic diseases. Identifiers: MedGen C0950123, MeSH D030342.

Submission:

Ambry Genetics
Classification: Uncertain significance for Inborn genetic diseases. Last evaluated: 2026-06-12. Review status: criteria provided, single submitter. Criteria: Ambry Variant Classification Scheme 2023. Collection method: clinical testing. Allele origin: germline.
Comment: The p.A8G variant (also known as c.23C>G), located in coding exon 1 of the KDM1A gene, results from a C to G substitution at nucleotide position 23. The alanine at codon 8 is replaced by glycine, an amino acid with similar properties. This amino acid position is conserved. In addition, this alteration is predicted to be tolerated by in silico analysis. Based on the available evidence, the clinical significance of this variant remains unclear.